The following is an entry in ClinVar:

NM_001112.4(ADARB1):c.1079-4del

Gene: ADARB1 (adenosine deaminase RNA specific B1; plus strand). Cytogenetic location: 21q22.3.
Variant type: Deletion.
Coding change: c.1079-4del on transcript NM_001112.4 (MANE Select); 4 bases into the intron before coding-DNA position 1079, one base deleted (T; older notation c.1079-4delT).
Molecular consequence: intron variant.
Genome position (GRCh38, 1-based): chr21:45,182,581, T deleted; the last of 13 consecutive T bases (chr21:45,182,569-45,182,581); deleting any one gives the same sequence. VCF-style (leftmost placement, unchanged base first): chr21-45182568-CT-C. GRCh37 (hg19) VCF-style: chr21-46602483-CT-C.
Other names: c.1079-4del (NM_015833.4, NM_015834.4, NM_001160230.2 and 1 more transcripts); c.1226-4del (NM_001346687.2, NM_001410722.1).
Identifiers: ClinVar variation 3060780 (VCV003060780.2), dbSNP rs373179300, ClinGen allele CA10064251.

ClinVar aggregate classification (germline): Likely benign (0 of 4 stars; one submission).

Conditions:
ADARB1-related disorder. Also called: ADARB1-related condition.

Submission:

PreventionGenetics, part of Exact Sciences
Classification: Likely benign for ADARB1-related condition. Last evaluated: 2022-05-10. Review status: no assertion criteria provided. Collection method: clinical testing. Allele origin: germline.
Comment: This variant is classified as likely benign based on ACMG/AMP sequence variant interpretation guidelines (Richards et al. 2015 PMID: 25741868, with internal and published modifications).